The following is an entry in ClinVar:

ClinVar aggregate classification (germline): Uncertain significance (1 of 4 stars; one submission).

Conditions:
Hereditary cancer-predisposing syndrome. Also called: Hereditary neoplastic syndrome; Neoplastic Syndromes, Hereditary; Tumor predisposition; Hereditary Cancer Syndrome. Identifiers: Orphanet 140162, MedGen C0027672, MeSH D009386, MONDO:0015356.

Submission:

Ambry Genetics
Classification: Uncertain significance for Hereditary cancer-predisposing syndrome. Last evaluated: 2025-08-27. Review status: criteria provided, single submitter. Criteria: Ambry Variant Classification Scheme 2023. Collection method: clinical testing. Allele origin: germline.
Comment: The p.L167R variant (also known as c.500T>G), located in coding exon 6 of the MUTYH gene, results from a T to G substitution at nucleotide position 500. The leucine at codon 167 is replaced by arginine, an amino acid with dissimilar properties. This amino acid position is conserved. In addition, this alteration is predicted to be deleterious by in silico analysis. Based on the available evidence, the clinical significance of this variant remains unclear.

NM_001048174.2(MUTYH):c.416T>G (p.Leu139Arg)

Gene: MUTYH (mutY DNA glycosylase; minus strand). Cytogenetic location: 1p34.1.
Variant type: single nucleotide variant.
Coding change: c.416T>G on transcript NM_001048174.2 (MANE Select); coding-DNA position 416, T replaced by G.
Protein change: p.Leu139Arg; replaces leucine 139 with arginine.
Molecular consequence: missense variant. On other transcripts: non-coding transcript variant (6), intron variant (4).
Genome position (GRCh38, 1-based): chr1:45,332,922, A>C on the plus strand (T>G on the coding strand, the complement: MUTYH is on the minus strand). VCF-style: chr1-45332922-A-C. GRCh37 (hg19) VCF-style: chr1-45798594-A-C.
Other names: c.500T>G, p.Leu167Arg (NM_001128425.2); c.461T>G, p.Leu154Arg (NM_001293190.2); c.449T>G, p.Leu150Arg (NM_001293191.2, NM_001407077.1); c.140T>G, p.Leu47Arg (NM_001293192.2, NM_001293196.2, NM_001407091.1); c.416T>G, p.Leu139Arg (NM_001293195.2, NM_001407088.1, NM_001407089.1 and 5 more transcripts); c.71T>G, p.Leu24Arg (NM_001350650.2, NM_001350651.2, NM_001407082.1); c.458T>G, p.Leu153Arg (NM_001407085.1, NM_001407083.1); c.419T>G, p.Leu140Arg (NM_001407086.1, NM_001048172.2, NM_001407071.1 and 1 more transcripts); and 7 more; short protein forms L139R, L140R, L150R, L154R, L167R, L111R, L164R, L153R.
Identifiers: ClinVar variation 4113704 (VCV004113704.1).
Genomic context (GRCh38, chr1:45,332,922, plus strand): 5'-ATCACCCGTCAGTCCCTCTATTGTTCCTATTTCCCCTACCCTAGGGTGGCTCTCACCTCC[A>C]GGGAAGCACTGGCCAGGTCCTGCAGTGTAGGCCACTTCTATAGCCACAGGCAGGCAGAAA-3'
Protein context (NP_001041639.1, residues 129-149): PTLQDLASAS[Leu139Arg]EEVNQLWAGL